The following is an entry in ClinVar:

NM_001113491.2(SEPTIN9):c.175_177del (p.Ser59del)

Gene: SEPTIN9 (septin 9; plus strand). Cytogenetic location: 17q25.3.
Variant type: Deletion.
Coding change: c.175_177del on transcript NM_001113491.2 (MANE Select); coding-DNA positions 175 to 177, 3 bases deleted (TCC; older notation c.175_177delTCC).
Protein change: p.Ser59del; deletes serine 59.
Molecular consequence: inframe deletion. On other transcripts: 5 prime UTR variant (2).
Genome position (GRCh38, 1-based): chr17:77,402,157-77,402,159, TCC deleted; deleting any 3 consecutive bases within chr17:77,402,156-77,402,159 gives the same sequence; the c. name uses the placement nearest the transcript's 3' end. VCF-style (leftmost placement, unchanged base first): chr17-77402155-GCTC-G. GRCh37 (hg19) VCF-style: chr17-75398237-GCTC-G.
Other names: c.-318_-316del (NM_001113492.2, NM_001113494.1); c.154_156del, p.Ser52del (NM_001113493.2); c.118_120del, p.Ser40del (NM_001293695.2); c.121_123del, p.Ser41del (NM_006640.5); short protein forms S40del, S41del, S52del, S59del.
Identifiers: ClinVar variation 1682577 (VCV001682577.5), dbSNP rs1471088684, ClinGen allele CA775245058.
Genomic context (GRCh38, chr17:77,402,155, plus strand): 5'-CACCCAACTCCACCCCACCCCGGAGGGTCCAGACTCCCCTACTCCGAGCCACTGTGGCCA[GCTC>G]CACCCAGAAATTCCAGGACCTGGGCGTGAAGAACTCAGAACCCTCGGCCCGCCATGTGGA-3'

ClinVar aggregate classification (germline): Uncertain significance (1 of 4 stars; one submission).

Submission:

Labcorp Genetics (formerly Invitae), Labcorp
Classification: Uncertain significance. Last evaluated: 2023-12-25. Review status: criteria provided, single submitter. Criteria: Invitae Variant Classification Sherloc (09022015). Collection method: clinical testing. Allele origin: germline.
Comment: This variant, c.121_123del, results in the deletion of 1 amino acid(s) of the SEPT9 protein (p.Ser41del), but otherwise preserves the integrity of the reading frame. This variant is not present in population databases (gnomAD no frequency). This variant has not been reported in the literature in individuals affected with SEPT9-related conditions. ClinVar contains an entry for this variant (Variation ID: 1682577). Experimental studies and prediction algorithms are not available or were not evaluated, and the functional significance of this variant is currently unknown. In summary, the available evidence is currently insufficient to determine the role of this variant in disease. Therefore, it has been classified as a Variant of Uncertain Significance.